The following is an entry in ClinVar:

ClinVar aggregate classification (germline): Uncertain significance. Review status: criteria provided, multiple submitters, no conflicts (2 of 4 stars). 3 submissions from 3 submitters: Uncertain significance (3). Last evaluated 2024-10-16.

Conditions:
Autosomal dominant polycystic kidney disease. Identifiers: Orphanet 730, MedGen C0085413, MONDO:0004691.
Polycystic kidney disease 2 (PKD2). Also called: POLYCYSTIC KIDNEY DISEASE, ADULT, TYPE II; POLYCYSTIC KIDNEY DISEASE 2 WITH OR WITHOUT POLYCYSTIC LIVER DISEASE; Polycystic Kidney Disease 2, Autosomal Dominant. Identifiers: MedGen C2751306, MONDO:0013131, OMIM 613095.

Allele frequency attached by ClinVar (database versions not stated): gnomAD 0.00001; gnomAD exomes 0.00001.
gnomAD v4.1: 9 of 1,613,646 alleles (0.00056%); highest among the groups gnomAD compares: East Asian, 0.0022%; no homozygotes.

Submissions (3):

Labcorp Genetics (formerly Invitae), Labcorp
Classification: Uncertain significance for Autosomal dominant polycystic kidney disease. Last evaluated: 2024-10-16. Review status: criteria provided, single submitter. Criteria: Invitae Variant Classification Sherloc (09022015). Collection method: clinical testing. Allele origin: germline.
Comment: This sequence change replaces alanine, which is neutral and non-polar, with threonine, which is neutral and polar, at codon 365 of the PKD2 protein (p.Ala365Thr). This variant is present in population databases (no rsID available, gnomAD 0.005%). This variant has not been reported in the literature in individuals affected with PKD2-related conditions. ClinVar contains an entry for this variant (Variation ID: 586311). An algorithm developed to predict the effect of missense changes on protein structure and function (PolyPhen-2) suggests that this variant is likely to be disruptive. In summary, the available evidence is currently insufficient to determine the role of this variant in disease. Therefore, it has been classified as a Variant of Uncertain Significance.

Athena Diagnostics
Classification: Uncertain significance. Last evaluated: 2018-02-22. Review status: criteria provided, single submitter. Criteria: Athena Diagnostics Criteria. Collection method: clinical testing. Allele origin: germline.

Juno Genomics, Hangzhou Juno Genomics, Inc
Classification: Uncertain significance for Polycystic kidney disease 2. Review status: criteria provided, single submitter. Criteria: ACMG Guidelines, 2015. Collection method: clinical testing. Allele origin: germline.
Comment: Absent from controls (or at extremely low frequency if recessive) in Genome Aggregation Database.;Multiple lines of computational evidence support a deleterious effect on the gene or gene product.

NM_000297.4(PKD2):c.1093G>A (p.Ala365Thr)

Gene: PKD2 (polycystin 2, transient receptor potential cation channel; plus strand). Cytogenetic location: 4q22.1.
Variant type: single nucleotide variant.
Coding change: c.1093G>A on transcript NM_000297.4 (MANE Select); coding-DNA position 1093, G replaced by A.
Protein change: p.Ala365Thr; replaces alanine 365 with threonine.
Molecular consequence: missense variant. On other transcripts: non-coding transcript variant (1).
Genome position (GRCh38, 1-based): chr4:88,038,500, G>A. VCF-style: chr4-88038500-G-A. GRCh37 (hg19) VCF-style: chr4-88959652-G-A.
Other names: short protein forms A365T.
Identifiers: ClinVar variation 586311 (VCV000586311.6), dbSNP rs926203174, ClinGen allele CA100891475.